The following is an entry in ClinVar:

NM_001171613.2(PREPL):c.1066C>T (p.Arg356Cys)

Gene: PREPL (prolyl endopeptidase like; minus strand). Cytogenetic location: 2p21.
Variant type: single nucleotide variant.
Coding change: c.1066C>T on transcript NM_001171613.2 (MANE Select); coding-DNA position 1066, C replaced by T.
Protein change: p.Arg356Cys; replaces arginine 356 with cysteine.
Molecular consequence: missense variant. On other transcripts: intron variant (1).
Genome position (GRCh38, 1-based): chr2:44,332,479, G>A on the plus strand (C>T on the coding strand, the complement: PREPL is on the minus strand). VCF-style: chr2-44332479-G-A. GRCh37 (hg19) VCF-style: chr2-44559618-G-A.
Other names: c.1147C>T, p.Arg383Cys (NM_001042385.2); c.1333C>T, p.Arg445Cys (NM_001171603.1, NM_001171606.2, NM_001374275.1 and 2 more transcripts); c.1066C>T, p.Arg356Cys (NM_001171617.1, NM_001374277.1); c.1156-3367C>T (NM_001042386.2); short protein forms R445C, R383C, R356C.
Identifiers: ClinVar variation 1408661 (VCV001408661.6), dbSNP rs201468991, ClinGen allele CA1641261.
Genomic context (GRCh38, chr2:44,332,479, plus strand): 5'-TCAGTAAATGGGAGCTGAAAGTGAAGATTATAAGACCTACCTTGCTTTTGGCTTCTAGAC[G>A]TAAAACGCGACTAGTCTTTGTGATTGGGTCTTCATGCCCAGTTTCCTCAAACAGTTTGCC-3'
Protein context (NP_001165084.1, residues 346-366): DPITKTSRVL[Arg356Cys]LEAKSKDGKL

ClinVar aggregate classification (germline): Uncertain significance. Review status: criteria provided, multiple submitters, no conflicts (2 of 4 stars). 2 submissions from 2 submitters: Uncertain significance (2). Last evaluated 2025-07-08.

Conditions:
Myasthenic syndrome, congenital, 22 (CMS22). Also called: PREPL DEFICIENCY. Identifiers: MedGen C4479088, MONDO:0044299, OMIM 616224.
Inborn genetic diseases. Identifiers: MedGen C0950123, MeSH D030342.

Allele frequency attached by ClinVar (database versions not stated): gnomAD exomes 0.00001 and 0.00002; gnomAD 0.00004 and 0.00005; TOPMed 0.00004; ESP Exome Variant Server 0.00015.
gnomAD v4.1: 33 of 1,613,794 alleles (0.002%); highest among the groups gnomAD compares: Middle Eastern, 0.016%; no homozygotes.

Submissions (2):

Ambry Genetics
Classification: Uncertain significance for Inborn genetic diseases. Last evaluated: 2025-07-08. Review status: criteria provided, single submitter. Criteria: Ambry Variant Classification Scheme 2023. Collection method: clinical testing. Allele origin: germline.

Labcorp Genetics (formerly Invitae), Labcorp
Classification: Uncertain significance for Myasthenic syndrome, congenital, 22. Last evaluated: 2021-09-01. Review status: criteria provided, single submitter. Criteria: Invitae Variant Classification Sherloc (09022015). Collection method: clinical testing. Allele origin: germline.
Comment: This sequence change replaces arginine with cysteine at codon 445 of the PREPL protein (p.Arg445Cys). The arginine residue is highly conserved and there is a large physicochemical difference between arginine and cysteine. This variant is present in population databases (rs201468991, ExAC 0.01%). This variant has not been reported in the literature in individuals affected with PREPL-related conditions. Algorithms developed to predict the effect of missense changes on protein structure and function are either unavailable or do not agree on the potential impact of this missense change (SIFT: "Deleterious"; PolyPhen-2: "Probably Damaging"; Align-GVGD: "Class C0"). In summary, the available evidence is currently insufficient to determine the role of this variant in disease. Therefore, it has been classified as a Variant of Uncertain Significance.